The following is an entry in ClinVar:

ClinVar aggregate classification (germline): Uncertain significance. Review status: criteria provided, multiple submitters, no conflicts (2 of 4 stars). 2 submissions from 2 submitters: Uncertain significance (2). Last evaluated 2025-11-01.

Conditions:
Cardiovascular phenotype. Identifiers: MedGen CN230736.
Hereditary cancer-predisposing syndrome. Also called: Neoplastic Syndromes, Hereditary; Tumor predisposition; Hereditary Cancer Syndrome; Hereditary neoplastic syndrome. Identifiers: Orphanet 140162, MedGen C0027672, MeSH D009386, MONDO:0015356.
Neurofibromatosis, type 1 (NF1). Also called: Peripheral type neurofibromatosis; NEUROFIBROMATOSIS, TYPE I, SOMATIC; VON RECKLINGHAUSEN DISEASE; Neurofibromatosis, type I. Identifiers: Orphanet 636, MedGen C0027831, MONDO:0018975, OMIM 162200. Disease mechanism: loss of function.

gnomAD v4.1: 7 of 1,614,094 alleles (0.00043%); highest among the groups gnomAD compares: South Asian, 0.0077%; no homozygotes.

Submissions (2):

Ambry Genetics
Classification: Uncertain significance for Cardiovascular phenotype; Hereditary cancer-predisposing syndrome. Last evaluated: 2025-11-01. Review status: criteria provided, single submitter. Criteria: Ambry Variant Classification Scheme 2023. Collection method: clinical testing. Allele origin: germline.
Comment: The p.K99R variant (also known as c.296A>G), located in coding exon 4 of the NF1 gene, results from an A to G substitution at nucleotide position 296. The lysine at codon 99 is replaced by arginine, an amino acid with highly similar properties. This amino acid position is conserved. In addition, the in silico prediction for this alteration is inconclusive. Based on the available evidence, the clinical significance of this variant remains unclear.

Labcorp Genetics (formerly Invitae), Labcorp
Classification: Uncertain significance for Neurofibromatosis, type 1. Last evaluated: 2024-12-08. Review status: criteria provided, single submitter. Criteria: Invitae Variant Classification Sherloc (09022015). Collection method: clinical testing. Allele origin: germline.
Comment: This sequence change replaces lysine, which is basic and polar, with arginine, which is basic and polar, at codon 99 of the NF1 protein (p.Lys99Arg). This variant is present in population databases (rs745611945, gnomAD 0.006%). This variant has not been reported in the literature in individuals affected with NF1-related conditions. Invitae Evidence Modeling of protein sequence and biophysical properties (such as structural, functional, and spatial information, amino acid conservation, physicochemical variation, residue mobility, and thermodynamic stability) indicates that this missense variant is expected to disrupt NF1 protein function with a positive predictive value of 95%. In summary, the available evidence is currently insufficient to determine the role of this variant in disease. Therefore, it has been classified as a Variant of Uncertain Significance.

NM_001042492.3(NF1):c.296A>G (p.Lys99Arg)

Gene: NF1 (neurofibromin 1; plus strand). Cytogenetic location: 17q11.2.
Variant type: single nucleotide variant.
Coding change: c.296A>G on transcript NM_001042492.3 (MANE Select); coding-DNA position 296, A replaced by G.
Protein change: p.Lys99Arg; replaces lysine 99 with arginine.
Molecular consequence: missense variant.
Genome position (GRCh38, 1-based): chr17:31,163,193, A>G. VCF-style: chr17-31163193-A-G. GRCh37 (hg19) VCF-style: chr17-29490211-A-G.
Other names: c.296A>G, p.Lys99Arg (NM_000267.4, NM_001128147.3); short protein forms K99R.
Identifiers: ClinVar variation 3617536 (VCV003617536.3).